The following is an entry in ClinVar:

ClinVar aggregate classification (germline): Uncertain significance. Review status: criteria provided, multiple submitters, no conflicts (2 of 4 stars). 2 submissions from 2 submitters: Uncertain significance (2). Last evaluated 2025-05-29.

Submissions (2):

GeneDx
Classification: Uncertain significance. Last evaluated: 2025-05-29. Review status: criteria provided, single submitter. Criteria: GeneDx Variant Classification Process June 2021. Collection method: clinical testing. Allele origin: germline.
Comment: Not observed at significant frequency in large population cohorts (gnomAD); In silico analysis supports that this missense variant has a deleterious effect on protein structure/function; Has not been previously published as pathogenic or benign to our knowledge; This variant is associated with the following publications: (PMID: 26100331, 25512093, 25609763)

Revvity Omics, Revvity
Classification: Uncertain significance. Last evaluated: 2022-03-24. Review status: criteria provided, single submitter. Criteria: ACMG Guidelines, 2015. Collection method: clinical testing. Allele origin: germline.

NM_001376.5(DYNC1H1):c.3059G>A (p.Arg1020Gln)

Gene: DYNC1H1 (dynein cytoplasmic 1 heavy chain 1; plus strand). Cytogenetic location: 14q32.31.
Variant type: single nucleotide variant.
Coding change: c.3059G>A on transcript NM_001376.5 (MANE Select); coding-DNA position 3059, G replaced by A.
Protein change: p.Arg1020Gln; replaces arginine 1020 with glutamine.
Molecular consequence: missense variant.
Genome position (GRCh38, 1-based): chr14:101,994,227, G>A. VCF-style: chr14-101994227-G-A. GRCh37 (hg19) VCF-style: chr14-102460564-G-A.
Other names: short protein forms R1020Q.
Identifiers: ClinVar variation 2441054 (VCV002441054.5), dbSNP rs2503713273, ClinGen allele CA391032150.